The following is an entry in ClinVar:

ClinVar aggregate classification (germline): Pathogenic. Review status: criteria provided, multiple submitters, no conflicts (2 of 4 stars). 2 submissions from 2 submitters: Pathogenic (2). Last evaluated 2025-08-05.

Conditions:
CHD7-related CHARGE syndrome. Identifiers: MedGen CN380413, MONDO:1010178, OMIM 214800.
CHD7-related disorder. Also called: CHD7-related condition.

Submissions (2):

Molecular Genetics Laboratory, Motol Hospital
Classification: Pathogenic for CHD7-related CHARGE syndrome. Last evaluated: 2025-08-05. Review status: criteria provided, single submitter. Criteria: ACMG Guidelines, 2015. Collection method: clinical testing. Allele origin: de novo. Affected: yes. Observed: 1 variant allele.
Comment: Rare loss-of-function variants in the CHD7 gene are associated with autosomal domiannt CHARGE syndrome (MIM:214800). Rare variant not present in the non-Finnish European poulation (gnomAD v4.1.0). The variant is classified as pathogenic.

Blueprint Genetics
Classification: Pathogenic for CHD7-related disorders. Last evaluated: 2021-08-25. Review status: criteria provided, single submitter. Criteria: ACMG Guidelines, 2015. Collection method: clinical testing. Allele origin: germline. Affected: yes. Observed: 1 variant allele.

NM_017780.4(CHD7):c.5978_5981del (p.Asp1993fs)

Gene: CHD7 (chromodomain helicase DNA binding protein 7; plus strand). Cytogenetic location: 8q12.2.
Variant type: Deletion.
Coding change: c.5978_5981del on transcript NM_017780.4 (MANE Select); coding-DNA positions 5978 to 5981, 4 bases deleted (ACTG; older notation c.5978_5981delACTG).
Protein change: p.Asp1993fs; shifts the reading frame from aspartic acid 1993.
Molecular consequence: frameshift variant. On other transcripts: intron variant (1).
Genome position (GRCh38, 1-based): chr8:60,852,581-60,852,584, ACTG deleted; deleting any 4 consecutive bases within chr8:60,852,579-60,852,584 gives the same sequence; the c. name uses the placement nearest the transcript's 3' end. VCF-style (leftmost placement, unchanged base first): chr8-60852578-TTGAC-T. GRCh37 (hg19) VCF-style: chr8-61765137-TTGAC-T.
Other names: c.1717-9648_1717-9645del (NM_001316690.1); short protein forms D1993fs.
Identifiers: ClinVar variation 4819315 (VCV004819315.2).